The following is an entry in ClinVar:

ClinVar aggregate classification (germline): Likely pathogenic. Review status: criteria provided, multiple submitters, no conflicts (2 of 4 stars). 2 submissions from 2 submitters: Likely pathogenic (2). Last evaluated 2022-09-27.

Conditions:
Neuromuscular disease caused by qualitative or quantitative defects of dysferlin. Also called: Qualitative or quantitative defects of dysferlin; Dysferlinopathy. Identifiers: Orphanet 207073, MedGen C2931687, MONDO:0016145.
Miyoshi muscular dystrophy 1 (MMD1). Identifiers: Orphanet 45448, MedGen C4551973, MONDO:0024545, OMIM 254130.

Allele frequency attached by ClinVar (database versions not stated): gnomAD exomes below 0.00001.
gnomAD v4.1: 2 of 1,611,750 alleles (0.00012%); highest among the groups gnomAD compares: East Asian, 0.0022%; no homozygotes.

Submissions (2):

Baylor Genetics
Classification: Likely pathogenic for Miyoshi muscular dystrophy 1. Last evaluated: 2022-09-27. Review status: criteria provided, single submitter. Criteria: ACMG Guidelines, 2015. Collection method: clinical testing. Allele origin: unknown.

Labcorp Genetics (formerly Invitae), Labcorp
Classification: Likely pathogenic for Neuromuscular disease caused by qualitative or quantitative defects of dysferlin. Last evaluated: 2022-04-06. Review status: criteria provided, single submitter. Criteria: Invitae Variant Classification Sherloc (09022015). Collection method: clinical testing. Allele origin: germline.
Comment: In summary, the currently available evidence indicates that the variant is pathogenic, but additional data are needed to prove that conclusively. Therefore, this variant has been classified as Likely Pathogenic. Algorithms developed to predict the effect of sequence changes on RNA splicing suggest that this variant may disrupt the consensus splice site. This variant has not been reported in the literature in individuals affected with DYSF-related conditions. The frequency data for this variant in the population databases is considered unreliable, as metrics indicate poor data quality at this position in the gnomAD database. This sequence change affects a donor splice site in intron 17 of the DYSF gene. It is expected to disrupt RNA splicing. Variants that disrupt the donor or acceptor splice site typically lead to a loss of protein function (PMID: 16199547), and loss-of-function variants in DYSF are known to be pathogenic (PMID: 17698709, 20301480).

Literature cited by the submitters: PubMed 16199547 (cited by Labcorp Genetics (formerly Invitae), Labcorp); PubMed 17698709 (cited by Labcorp Genetics (formerly Invitae), Labcorp); PubMed 20301480 (cited by Labcorp Genetics (formerly Invitae), Labcorp).

NM_003494.4(DYSF):c.1522+1G>A

Gene: DYSF (dysferlin; plus strand). Cytogenetic location: 2p13.2.
Variant type: single nucleotide variant.
Coding change: c.1522+1G>A on transcript NM_003494.4 (MANE Plus Clinical); the canonical splice donor site of the intron after coding-DNA position 1522, G replaced by A.
Molecular consequence: splice donor variant. On other transcripts: intron variant (8).
Genome position (GRCh38, 1-based): chr2:71,549,392, G>A. VCF-style: chr2-71549392-G-A. GRCh37 (hg19) VCF-style: chr2-71776522-G-A.
Other names: c.1615+1G>A (NM_001130979.2); c.1574-1649G>A (NM_001130981.2, NM_001130980.2); c.1522+1G>A (NM_001130978.2); c.1481-1649G>A (NM_001130977.2, NM_001130976.2); c.1618+1G>A (NM_001130982.2); c.1577-1649G>A (NM_001130987.2, NM_001130985.2); c.1525+1G>A (NM_001130983.2, NM_001130455.2); c.1484-1649G>A (NM_001130984.2, NM_001130986.2).
Identifiers: ClinVar variation 1504863 (VCV001504863.9), dbSNP rs1473130799, ClinGen allele CA347217273.